The following is an entry in ClinVar:

NM_000548.5(TSC2):c.1717-14T>C

Gene: TSC2 (TSC complex subunit 2; plus strand). Cytogenetic location: 16p13.3.
Variant type: single nucleotide variant.
Coding change: c.1717-14T>C on transcript NM_000548.5 (MANE Select); 14 bases into the intron before coding-DNA position 1717, T replaced by C.
Molecular consequence: intron variant.
Genome position (GRCh38, 1-based): chr16:2,070,442, T>C. VCF-style: chr16-2070442-T-C. GRCh37 (hg19) VCF-style: chr16-2120443-T-C.
Other names: c.1717-14T>C (NM_001114382.3, NM_021055.3, NM_001370405.1 and 3 more transcripts); c.1606-14T>C (NM_001318827.2); c.1117-14T>C (NM_001318831.2); c.1570-14T>C (NM_001318829.2); c.1750-14T>C (NM_001318832.2).
Identifiers: ClinVar variation 1582247 (VCV001582247.11), dbSNP rs780658386, ClinGen allele CA032767.

ClinVar aggregate classification (germline): Benign/Likely benign. Review status: criteria provided, multiple submitters, no conflicts (2 of 4 stars). 4 submissions from 4 submitters: Benign (1); Likely benign (3). Last evaluated 2025-12-21.

Conditions:
Lymphangiomyomatosis (LAM). Also called: Lymphangioleiomyomatosis; Lymphangioleiomyomatosis, somatic. Identifiers: Orphanet 538, MedGen C0751674, MONDO:0011705, OMIM 606690.
Tuberous sclerosis 2 (TSC2). Identifiers: Orphanet 805, MedGen C1860707, MONDO:0013199, OMIM 613254.
Isolated focal cortical dysplasia type II (FCORD2). Also called: Focal cortical dysplasia type II; CORTICAL DYSPLASIA OF TAYLOR. Identifiers: Orphanet 268994, MedGen C1846385, MONDO:0011818, OMIM 607341, HP:0032051.
Tuberous sclerosis syndrome (TSC). Also called: Tuberous Sclerosis Complex; Tuberous sclerosis. Identifiers: Orphanet 805, MedGen C0041341, MONDO:0001734.

Allele frequency attached by ClinVar (database versions not stated): ExAC 0.00001; gnomAD 0.00001; gnomAD exomes 0.00001 and 0.00002; TOPMed 0.00001.
gnomAD v4.1: 17 of 1,613,162 alleles (0.0011%); highest among the groups gnomAD compares: Non-Finnish European, 0.0014%; no homozygotes.

Submissions (4):

Labcorp Genetics (formerly Invitae), Labcorp
Classification: Likely benign for Tuberous sclerosis 2. Last evaluated: 2025-12-21. Review status: criteria provided, single submitter. Criteria: Invitae Variant Classification Sherloc (09022015). Collection method: clinical testing. Allele origin: germline.

Myriad Genetics, Inc.
Classification: Benign for Tuberous sclerosis 2. Last evaluated: 2024-09-09. Review status: criteria provided, single submitter. Criteria: Myriad Autosomal Dominant, Autosomal Recessive and X-Linked Classification Criteria (2023). Collection method: clinical testing. Allele origin: unknown.
Comment: This variant is considered benign. This variant is intronic and is not expected to impact mRNA splicing. This variant has been observed at a population frequency that is significantly greater than expected given the associated disease prevalence and penetrance.

All of Us Research Program, National Institutes of Health
Classification: Likely benign for Tuberous sclerosis syndrome. Last evaluated: 2023-07-22. Review status: criteria provided, single submitter. Criteria: ACMG Guidelines, 2015. Collection method: clinical testing. Allele origin: germline. Inheritance: Autosomal dominant inheritance. Observed: 2 variant alleles, 2 heterozygotes.
Comment: This study involves interpretation of variants in research participants for the purpose of population health screening. Participant phenotype was not available at the time of variant classification. Additional details can be found in publication PMID: 35346344, PMCID: PMC8962531

Fulgent Genetics
Classification: Likely benign for Lymphangiomyomatosis; Isolated focal cortical dysplasia type II; Tuberous sclerosis 2. Last evaluated: 2022-04-16. Review status: criteria provided, single submitter. Criteria: ACMG Guidelines, 2015. Collection method: clinical testing. Allele origin: unknown.